The following is an entry in ClinVar:

NM_033409.4(SLC52A3):c.140T>C (p.Val47Ala)

Gene: SLC52A3 (solute carrier family 52 member 3; minus strand). Cytogenetic location: 20p13.
Variant type: single nucleotide variant.
Coding change: c.140T>C on transcript NM_033409.4 (MANE Select); coding-DNA position 140, T replaced by C.
Protein change: p.Val47Ala; replaces valine 47 with alanine.
Molecular consequence: missense variant.
Genome position (GRCh38, 1-based): chr20:765,635, A>G on the plus strand (T>C on the coding strand, the complement: SLC52A3 is on the minus strand). VCF-style: chr20-765635-A-G. GRCh37 (hg19) VCF-style: chr20-746279-A-G.
Other names: c.140T>C, p.Val47Ala (NM_001370085.1, NM_001370086.1); short protein forms V47A.
Identifiers: ClinVar variation 543055 (VCV000543055.8), dbSNP rs1555784013, ClinGen allele CA407964457.

ClinVar aggregate classification (germline): Uncertain significance (1 of 4 stars; one submission).

Conditions:
Brown-Vialetto-van Laere syndrome 1. Also called: BROWN-VIALETTO-VAN LAERE SYNDROME 1, MILD; PONTOBULBAR PALSY WITH DEAFNESS; BULBAR PALSY, PROGRESSIVE, WITH SENSORINEURAL DEAFNESS. Identifiers: Orphanet 572550, Orphanet 97229, MedGen C0796274, MONDO:0024537, OMIM 211530.

Submission:

Labcorp Genetics (formerly Invitae), Labcorp
Classification: Uncertain significance for Brown-Vialetto-van Laere syndrome 1. Last evaluated: 2022-12-06. Review status: criteria provided, single submitter. Criteria: Invitae Variant Classification Sherloc (09022015). Collection method: clinical testing. Allele origin: germline.
Comment: In summary, the available evidence is currently insufficient to determine the role of this variant in disease. Therefore, it has been classified as a Variant of Uncertain Significance. Advanced modeling of protein sequence and biophysical properties (such as structural, functional, and spatial information, amino acid conservation, physicochemical variation, residue mobility, and thermodynamic stability) performed at Invitae indicates that this missense variant is not expected to disrupt SLC52A3 protein function. ClinVar contains an entry for this variant (Variation ID: 543055). This variant has not been reported in the literature in individuals affected with SLC52A3-related conditions. This variant is not present in population databases (gnomAD no frequency). This sequence change replaces valine, which is neutral and non-polar, with alanine, which is neutral and non-polar, at codon 47 of the SLC52A3 protein (p.Val47Ala).